The following is an entry in ClinVar:

ClinVar aggregate classification (germline): Uncertain significance (1 of 4 stars; one submission).

Conditions:
Charcot-Marie-Tooth disease axonal type 2O. Also called: CHARCOT-MARIE-TOOTH NEUROPATHY, AXONAL, TYPE 2O; CHARCOT-MARIE-TOOTH DISEASE, AXONAL, AUTOSOMAL DOMINANT, TYPE 2O; Charcot-Marie-Tooth Neuropathy Type 2O; Charcot-Marie-Tooth disease, axonal, type 20. Identifiers: Orphanet 284232, MedGen C3280220, MONDO:0013644, OMIM 614228.

Submission:

Labcorp Genetics (formerly Invitae), Labcorp
Classification: Uncertain significance for Charcot-Marie-Tooth disease axonal type 2O. Last evaluated: 2024-04-01. Review status: criteria provided, single submitter. Criteria: Invitae Variant Classification Sherloc (09022015). Collection method: clinical testing. Allele origin: germline.
Comment: This sequence change replaces valine, which is neutral and non-polar, with alanine, which is neutral and non-polar, at codon 3653 of the DYNC1H1 protein (p.Val3653Ala). This variant is not present in population databases (gnomAD no frequency). This variant has not been reported in the literature in individuals affected with DYNC1H1-related conditions. ClinVar contains an entry for this variant (Variation ID: 1396623). Advanced modeling of protein sequence and biophysical properties (such as structural, functional, and spatial information, amino acid conservation, physicochemical variation, residue mobility, and thermodynamic stability) has been performed at Invitae for this missense variant, however the output from this modeling did not meet the statistical confidence thresholds required to predict the impact of this variant on DYNC1H1 protein function. In summary, the available evidence is currently insufficient to determine the role of this variant in disease. Therefore, it has been classified as a Variant of Uncertain Significance.

NM_001376.5(DYNC1H1):c.10958T>C (p.Val3653Ala)

Gene: DYNC1H1 (dynein cytoplasmic 1 heavy chain 1; plus strand). Cytogenetic location: 14q32.31.
Variant type: single nucleotide variant.
Coding change: c.10958T>C on transcript NM_001376.5 (MANE Select); coding-DNA position 10958, T replaced by C.
Protein change: p.Val3653Ala; replaces valine 3653 with alanine.
Molecular consequence: missense variant.
Genome position (GRCh38, 1-based): chr14:102,038,509, T>C. VCF-style: chr14-102038509-T-C. GRCh37 (hg19) VCF-style: chr14-102504846-T-C.
Other names: short protein forms V3653A.
Identifiers: ClinVar variation 1396623 (VCV001396623.6), dbSNP rs2152594711, ClinGen allele CA391031457.
Genomic context (GRCh38, chr14:102,038,509, plus strand): 5'-GTGGAATGCAGGATGTGGAAAGCTACGATCCAGTTTTGAACCCGGTGCTGAACCGTGAAG[T>C]GCGGCGAACAGGGGGGAGAGTGCTGATCACTCTCGGGGACCAGGACATAGACCTGTCGCC-3'
Protein context (NP_001367.2, residues 3643-3663): PVLNPVLNRE[Val3653Ala]RRTGGRVLIT